The following is an entry in ClinVar:

ClinVar aggregate classification (germline): Pathogenic (1 of 4 stars; one submission).

gnomAD v4.1: 1 of 1,614,186 alleles (0.000062%); highest among the groups gnomAD compares: Admixed American, 0.0017%; no homozygotes.

Submission:

CeGaT Center for Human Genetics Tuebingen
Classification: Pathogenic. Last evaluated: 2026-04-01. Review status: criteria provided, single submitter. Criteria: CeGaT Center For Human Genetics Tuebingen Variant Classification Criteria Version 2. Collection method: clinical testing. Allele origin: germline. Affected: yes. Observed: 1 variant allele.
Comment: MYH2: PVS1, PM2

NM_017534.6(MYH2):c.534-2A>G

Genes: MYH2 (myosin heavy chain 2; minus strand), MYHAS (myosin heavy chain gene cluster antisense RNA; plus strand), LOC126862501 (CDK7 strongly-dependent group 2 enhancer GRCh37_chr17:10446256-10447455; plus strand). Cytogenetic location: 17p13.1.
Variant type: single nucleotide variant.
Coding change: c.534-2A>G on transcript NM_017534.6 (MANE Select); the canonical splice acceptor site of the intron before coding-DNA position 534, A replaced by G.
Molecular consequence: splice acceptor variant.
Genome position (GRCh38, 1-based): chr17:10,544,018, T>C on the plus strand (A>G on the coding strand, the complement: MYH2 is on the minus strand). VCF-style: chr17-10544018-T-C. GRCh37 (hg19) VCF-style: chr17-10447335-T-C.
Other names: c.534-2A>G (NM_001100112.2).
Identifiers: ClinVar variation 4874478 (VCV004874478.2).